The following is an entry in ClinVar:

NM_139242.4(MTFMT):c.274A>G (p.Lys92Glu)

Gene: MTFMT (mitochondrial methionyl-tRNA formyltransferase; minus strand). Cytogenetic location: 15q22.31.
Variant type: single nucleotide variant.
Coding change: c.274A>G on transcript NM_139242.4 (MANE Select); coding-DNA position 274, A replaced by G.
Protein change: p.Lys92Glu; replaces lysine 92 with glutamic acid.
Molecular consequence: missense variant.
Genome position (GRCh38, 1-based): chr15:65,026,976, T>C on the plus strand (A>G on the coding strand, the complement: MTFMT is on the minus strand). VCF-style: chr15-65026976-T-C. GRCh37 (hg19) VCF-style: chr15-65319314-T-C.
Other names: short protein forms K92E.
Identifiers: ClinVar variation 1942093 (VCV001942093.4), dbSNP rs1468168337, ClinGen allele CA392859831.

ClinVar aggregate classification (germline): Uncertain significance (1 of 4 stars; one submission).

Allele frequency attached by ClinVar (database versions not stated): gnomAD exomes below 0.00001; TOPMed below 0.00001.

Submission:

Labcorp Genetics (formerly Invitae), Labcorp
Classification: Uncertain significance. Last evaluated: 2023-08-17. Review status: criteria provided, single submitter. Criteria: Invitae Variant Classification Sherloc (09022015). Collection method: clinical testing. Allele origin: germline.
Comment: In summary, the available evidence is currently insufficient to determine the role of this variant in disease. Therefore, it has been classified as a Variant of Uncertain Significance. Advanced modeling of protein sequence and biophysical properties (such as structural, functional, and spatial information, amino acid conservation, physicochemical variation, residue mobility, and thermodynamic stability) has been performed at Invitae for this missense variant, however the output from this modeling did not meet the statistical confidence thresholds required to predict the impact of this variant on MTFMT protein function. ClinVar contains an entry for this variant (Variation ID: 1942093). This variant has not been reported in the literature in individuals affected with MTFMT-related conditions. This variant is present in population databases (no rsID available, gnomAD 0.007%). This sequence change replaces lysine, which is basic and polar, with glutamic acid, which is acidic and polar, at codon 92 of the MTFMT protein (p.Lys92Glu).